The following is an entry in ClinVar:

ClinVar aggregate classification (germline): Uncertain significance (1 of 4 stars; one submission).

Submission:

Labcorp Genetics (formerly Invitae), Labcorp
Classification: Uncertain significance. Last evaluated: 2021-09-18. Review status: criteria provided, single submitter. Criteria: Invitae Variant Classification Sherloc (09022015). Collection method: clinical testing. Allele origin: germline.
Comment: This sequence change replaces threonine with isoleucine at codon 765 of the GEN1 protein (p.Thr765Ile). The threonine residue is moderately conserved and there is a moderate physicochemical difference between threonine and isoleucine. This variant is not present in population databases (ExAC no frequency). This variant has not been reported in the literature in individuals affected with GEN1-related conditions. Algorithms developed to predict the effect of missense changes on protein structure and function are either unavailable or do not agree on the potential impact of this missense change (SIFT: "Deleterious"; PolyPhen-2: "Possibly Damaging"; Align-GVGD: "Class C0"). In summary, the available evidence is currently insufficient to determine the role of this variant in disease. Therefore, it has been classified as a Variant of Uncertain Significance.

NM_001130009.3(GEN1):c.2294C>T (p.Thr765Ile)

Gene: GEN1 (GEN1 structure-specific endonuclease; plus strand). Cytogenetic location: 2p24.2.
Variant type: single nucleotide variant.
Coding change: c.2294C>T on transcript NM_001130009.3 (MANE Select); coding-DNA position 2294, C replaced by T.
Protein change: p.Thr765Ile; replaces threonine 765 with isoleucine.
Molecular consequence: missense variant.
Genome position (GRCh38, 1-based): chr2:17,781,506, C>T. VCF-style: chr2-17781506-C-T. GRCh37 (hg19) VCF-style: chr2-17962773-C-T.
Other names: c.2294C>T, p.Thr765Ile (NM_182625.5); short protein forms T765I.
Identifiers: ClinVar variation 1409662 (VCV001409662.6), dbSNP rs1360933364, ClinGen allele CA345927725.